The following is an entry in ClinVar:

ClinVar aggregate classification (germline): Benign/Likely benign. Review status: criteria provided, multiple submitters, no conflicts (2 of 4 stars). 3 submissions from 3 submitters: Benign (2); Likely benign (1). Last evaluated 2021-05-20.

Conditions:
Obesity due to leptin receptor gene deficiency. Identifiers: Orphanet 179494, MedGen C3554225, MONDO:0013992, OMIM 614963.

Allele frequency attached by ClinVar (database versions not stated): ESP Exome Variant Server 0.00077; TOPMed 0.00255; gnomAD exomes 0.00403 and 0.00926; gnomAD 0.00623 and 0.00684; ExAC 0.00789; 1000 Genomes Project 30x 0.01421; 1000 Genomes Project 0.01637.
gnomAD v4.1: 7,020 of 1,612,392 alleles (0.44%); highest among the groups gnomAD compares: East Asian, 5.8%; 206 homozygotes.

Submissions (3):

GeneDx
Classification: Benign. Last evaluated: 2021-05-20. Review status: criteria provided, single submitter. Criteria: GeneDx Variant Classification Process June 2021. Collection method: clinical testing. Allele origin: germline. Affected: yes.

Labcorp Genetics (formerly Invitae), Labcorp
Classification: Benign. Last evaluated: 2018-07-27. Review status: criteria provided, single submitter. Criteria: Invitae Variant Classification Sherloc (09022015). Collection method: clinical testing. Allele origin: germline.

Illumina Laboratory Services, Illumina
Classification: Likely benign for Obesity due to leptin receptor gene deficiency. Last evaluated: 2018-01-13. Review status: criteria provided, single submitter. Criteria: ICSL Variant Classification Criteria 13 December 2019. Collection method: clinical testing. Allele origin: germline.
Comment: This variant was observed in the ICSL laboratory as part of a predisposition screen in an ostensibly healthy population. It had not been previously curated by ICSL or reported in the Human Gene Mutation Database (HGMD: prior to June 1st, 2018), and was therefore a candidate for classification through an automated scoring system. Utilizing variant allele frequency, disease prevalence and penetrance estimates, and inheritance mode, an automated score was calculated to assess if this variant is too frequent to cause the disease. Based on the score and internal cut-off values, a variant classified as likely benign is not then subjected to further curation. The score for this variant resulted in a classification of likely benign for this disease.

NM_017526.5(LEPROT):c.21C>T (p.Leu7=)

Genes: LEPR (leptin receptor; plus strand), LEPROT (leptin receptor overlapping transcript; plus strand). Cytogenetic location: 1p31.3.
Variant type: single nucleotide variant.
Coding change: c.21C>T on transcript NM_017526.5 (MANE Select); coding-DNA position 21, C replaced by T.
Protein change: p.Leu7=; no amino-acid change (leucine 7 retained).
Molecular consequence: synonymous variant. On other transcripts: 5 prime UTR variant (3).
Genome position (GRCh38, 1-based): chr1:65,425,307, C>T. VCF-style: chr1-65425307-C-T. GRCh37 (hg19) VCF-style: chr1-65890990-C-T.
Other names: c.-92C>T (NM_001003679.3, NM_001003680.3, NM_002303.6); c.48C>T, p.Leu16= (NM_001198681.2); c.21C>T, p.Leu7= (NM_001198683.2).
Identifiers: ClinVar variation 297984 (VCV000297984.10), dbSNP rs13306523, ClinGen allele CA894323.